The following is an entry in ClinVar:

NM_000271.5(NPC1):c.3426G>A (p.Met1142Ile)

Gene: NPC1 (NPC intracellular cholesterol transporter 1; minus strand). Cytogenetic location: 18q11.2.
Variant type: single nucleotide variant.
Coding change: c.3426G>A on transcript NM_000271.5 (MANE Select); coding-DNA position 3426, G replaced by A.
Protein change: p.Met1142Ile; replaces methionine 1142 with isoleucine.
Molecular consequence: missense variant.
Genome position (GRCh38, 1-based): chr18:23,535,520, C>T on the plus strand (G>A on the coding strand, the complement: NPC1 is on the minus strand). VCF-style: chr18-23535520-C-T. GRCh37 (hg19) VCF-style: chr18-21115484-C-T.
Other names: short protein forms M1142I.
Identifiers: ClinVar variation 2736698 (VCV002736698.3), dbSNP rs1165786597, ClinGen allele CA401791227.

ClinVar aggregate classification (germline): Pathogenic (1 of 4 stars; one submission).

Conditions:
Niemann-Pick disease, type C1. Also called: NEUROVISCERAL STORAGE DISEASE WITH VERTICAL SUPRANUCLEAR OPHTHALMOPLEGIA; NIEMANN-PICK DISEASE WITH CHOLESTEROL ESTERIFICATION BLOCK; NIEMANN-PICK DISEASE WITHOUT SPHINGOMYELINASE DEFICIENCY; NIEMANN-PICK DISEASE, CHRONIC NEURONOPATHIC FORM; NIEMANN-PICK DISEASE, VARIANT TYPE C1. Identifiers: Orphanet 646, MedGen C3179455, MONDO:0009757, OMIM 257220.

Allele frequency attached by ClinVar (database versions not stated): gnomAD exomes below 0.00001.

Submission:

Labcorp Genetics (formerly Invitae), Labcorp
Classification: Pathogenic for Niemann-Pick disease, type C1. Last evaluated: 2024-02-03. Review status: criteria provided, single submitter. Criteria: Invitae Variant Classification Sherloc (09022015). Collection method: clinical testing. Allele origin: germline.
Comment: This sequence change replaces methionine, which is neutral and non-polar, with isoleucine, which is neutral and non-polar, at codon 1142 of the NPC1 protein (p.Met1142Ile). This variant is present in population databases (no rsID available, gnomAD 0.003%). This missense change has been observed in individual(s) with clinical features of Niemann-Pick Type C (Invitae). In at least one individual the data is consistent with being in trans (on the opposite chromosome) from a pathogenic variant. Advanced modeling of protein sequence and biophysical properties (such as structural, functional, and spatial information, amino acid conservation, physicochemical variation, residue mobility, and thermodynamic stability) performed at Invitae indicates that this missense variant is expected to disrupt NPC1 protein function with a positive predictive value of 95%. This variant disrupts the p.Met1142 amino acid residue in NPC1. Other variant(s) that disrupt this residue have been determined to be pathogenic (PMID: 11333381, 11349231, 20718790, 25239094). This suggests that this residue is clinically significant, and that variants that disrupt this residue are likely to be disease-causing. For these reasons, this variant has been classified as Pathogenic.

Literature cited by the submitters: PubMed 11333381; PubMed 11349231; PubMed 20718790; PubMed 25239094.